The following is an entry in ClinVar:

ClinVar aggregate classification (germline): Uncertain significance (1 of 4 stars; one submission).

Conditions:
Microcephaly-intellectual disability-sensorineural hearing loss-epilepsy-abnormal muscle tone syndrome (NEDHSB). Also called: NEURODEVELOPMENTAL DISORDER WITH HEARING LOSS, SEIZURES, AND BRAIN ABNORMALITIES. Identifiers: Orphanet 457351, MedGen C4225276, MONDO:0014698, OMIM 616577.

Submission:

Labcorp Genetics (formerly Invitae), Labcorp
Classification: Uncertain significance for Epilepsy, hearing loss, and mental retardation syndrome. Last evaluated: 2019-04-11. Review status: criteria provided, single submitter. Criteria: Invitae Variant Classification Sherloc (09022015). Collection method: clinical testing. Allele origin: germline.
Comment: This variant results in a copy number gain of the genomic region encompassing exons 1-15 of the SPATA5 gene. The 5' end of this event is unknown as it extends beyond the assayed region for this gene and therefore may encompass additional genes. The 3' boundary is likely confined to intron 15 of the SPATA5 gene, which includes the initiator codon. As the precise location of this event is unknown, it may be in tandem or it may be located elsewhere in the genome. This variant has not been reported in the literature in individuals with SPATA5-related conditions. In summary, the available evidence is currently insufficient to determine the role of this variant in disease. Therefore, it has been classified as a Variant of Uncertain Significance.

NC_000004.12:g.(?_122923123)_(123256200_?)dup

Gene: AFG2A (AFG2 AAA ATPase homolog A; plus strand). Cytogenetic location: 4q28.1.
Variant type: Duplication.
Identifiers: ClinVar variation 833456 (VCV000833456.1).